The following is an entry in ClinVar:

ClinVar aggregate classification (germline): Uncertain significance (1 of 4 stars; one submission).

gnomAD v4.1: 25 of 1,613,552 alleles (0.0015%); highest among the groups gnomAD compares: South Asian, 0.0022%; no homozygotes.

Submission:

Labcorp Genetics (formerly Invitae), Labcorp
Classification: Uncertain significance. Last evaluated: 2025-12-30. Review status: criteria provided, single submitter. Criteria: Invitae Variant Classification Sherloc (09022015). Collection method: clinical testing. Allele origin: germline.
Comment: This sequence change replaces valine, which is neutral and non-polar, with isoleucine, which is neutral and non-polar, at codon 101 of the DCHS1 protein (p.Val101Ile). This variant is present in population databases (rs746752715, gnomAD 0.004%). This variant has not been reported in the literature in individuals affected with DCHS1-related conditions. Invitae Evidence Modeling of protein sequence and biophysical properties (such as structural, functional, and spatial information, amino acid conservation, physicochemical variation, residue mobility, and thermodynamic stability) indicates that this missense variant is not expected to disrupt DCHS1 protein function with a negative predictive value of 80%. In summary, the available evidence is currently insufficient to determine the role of this variant in disease. Therefore, it has been classified as a Variant of Uncertain Significance.

NM_003737.4(DCHS1):c.301G>A (p.Val101Ile)

Gene: DCHS1 (dachsous cadherin-related 1; minus strand). Cytogenetic location: 11p15.4.
Variant type: single nucleotide variant.
Coding change: c.301G>A on transcript NM_003737.4 (MANE Select); coding-DNA position 301, G replaced by A.
Protein change: p.Val101Ile; replaces valine 101 with isoleucine.
Molecular consequence: missense variant.
Genome position (GRCh38, 1-based): chr11:6,641,313, C>T on the plus strand (G>A on the coding strand, the complement: DCHS1 is on the minus strand). VCF-style: chr11-6641313-C-T. GRCh37 (hg19) VCF-style: chr11-6662544-C-T.
Other names: short protein forms V101I.
Identifiers: ClinVar variation 4804191 (VCV004804191.1).